The following is an entry in ClinVar:

NM_001267550.2(TTN):c.89537G>C (p.Arg29846Thr)

Genes: TTN (titin; minus strand), TTN-AS1 (TTN antisense RNA 1; plus strand). Cytogenetic location: 2q31.2.
Variant type: single nucleotide variant.
Coding change: c.89537G>C on transcript NM_001267550.2 (MANE Select); coding-DNA position 89537, G replaced by C.
Protein change: p.Arg29846Thr; replaces arginine 29846 with threonine.
Molecular consequence: missense variant.
Genome position (GRCh38, 1-based): chr2:178,553,363, C>G on the plus strand (G>C on the coding strand, the complement: TTN is on the minus strand). VCF-style: chr2-178553363-C-G. GRCh37 (hg19) VCF-style: chr2-179418090-C-G.
Other names: c.84614G>C, p.Arg28205Thr (NM_001256850.1); c.62342G>C, p.Arg20781Thr (NM_003319.4); c.81833G>C, p.Arg27278Thr (NM_133378.4); c.62717G>C, p.Arg20906Thr (NM_133432.3); c.62918G>C, p.Arg20973Thr (NM_133437.4); short protein forms R20781T, R20906T, R20973T, R27278T, R28205T, R29846T.
Identifiers: ClinVar variation 3894942 (VCV003894942.1).

ClinVar aggregate classification (germline): Likely benign (1 of 4 stars; one submission).

Submission:

Molecular Diagnostic Laboratory for Inherited Cardiovascular Disease, Montreal Heart Institute
Classification: Likely benign. Last evaluated: 2025-04-09. Review status: criteria provided, single submitter. Criteria: ACMG Guidelines, 2015. Collection method: clinical testing. Allele origin: germline. Affected: no.
Comment: BP1